The following is an entry in ClinVar:

NM_001282933.2(ZNF341):c.335G>A (p.Arg112His)

Gene: ZNF341 (zinc finger protein 341; plus strand). Cytogenetic location: 20q11.22.
Variant type: single nucleotide variant.
Coding change: c.335G>A on transcript NM_001282933.2 (MANE Select); coding-DNA position 335, G replaced by A.
Protein change: p.Arg112His; replaces arginine 112 with histidine.
Molecular consequence: missense variant. On other transcripts: non-coding transcript variant (1), intron variant (1).
Genome position (GRCh38, 1-based): chr20:33,745,295, G>A. VCF-style: chr20-33745295-G-A. GRCh37 (hg19) VCF-style: chr20-32333101-G-A.
Other names: c.335G>A, p.Arg112His (NM_032819.5); c.70-3628G>A (NM_001282935.2); short protein forms R112H.
Identifiers: ClinVar variation 2047515 (VCV002047515.2), dbSNP rs376738185, ClinGen allele CA313327856.

ClinVar aggregate classification (germline): Uncertain significance (1 of 4 stars; one submission).

Allele frequency attached by ClinVar (database versions not stated): gnomAD 0.00001; gnomAD exomes 0.00001.

Submission:

Labcorp Genetics (formerly Invitae), Labcorp
Classification: Uncertain significance. Last evaluated: 2022-01-27. Review status: criteria provided, single submitter. Criteria: Invitae Variant Classification Sherloc (09022015). Collection method: clinical testing. Allele origin: germline.
Comment: This sequence change replaces arginine, which is basic and polar, with histidine, which is basic and polar, at codon 112 of the ZNF341 protein (p.Arg112His). This variant is present in population databases (rs376738185, gnomAD 0.005%). In summary, the available evidence is currently insufficient to determine the role of this variant in disease. Therefore, it has been classified as a Variant of Uncertain Significance. Algorithms developed to predict the effect of missense changes on protein structure and function (SIFT, PolyPhen-2, Align-GVGD) all suggest that this variant is likely to be disruptive. This variant has not been reported in the literature in individuals affected with ZNF341-related conditions.